The following is an entry in ClinVar:

ClinVar aggregate classification (germline): Pathogenic (1 of 4 stars; one submission).

Submission:

Labcorp Genetics (formerly Invitae), Labcorp
Classification: Pathogenic. Last evaluated: 2025-10-01. Review status: criteria provided, single submitter. Criteria: Invitae Variant Classification Sherloc (09022015). Collection method: clinical testing. Allele origin: germline.
Comment: This sequence change creates a premature translational stop signal (p.Tyr166Valfs*30) in the SLC24A1 gene. It is expected to result in an absent or disrupted protein product. Loss-of-function variants in SLC24A1 are known to be pathogenic (PMID: 20850105, 26822852). This variant is not present in population databases (gnomAD no frequency). This variant has not been reported in the literature in individuals affected with SLC24A1-related conditions. ClinVar contains an entry for this variant (Variation ID: 2133742). For these reasons, this variant has been classified as Pathogenic.

Literature cited by the submitters: PubMed 20850105; PubMed 26822852.

NM_004727.3(SLC24A1):c.494dup (p.Tyr166fs)

Gene: SLC24A1 (solute carrier family 24 member 1; plus strand). Cytogenetic location: 15q22.31.
Variant type: Duplication.
Coding change: c.494dup on transcript NM_004727.3 (MANE Select); coding-DNA position 494, one base duplicated (A; older notation c.494dupA).
Protein change: p.Tyr166fs; shifts the reading frame from tyrosine 166.
Molecular consequence: frameshift variant.
Genome position (GRCh38, 1-based): chr15:65,624,574, A duplicated; the last of 6 consecutive A bases (chr15:65,624,569-65,624,574); duplicating any one gives the same sequence. VCF-style (leftmost placement, unchanged base first): chr15-65624568-T-TA. GRCh37 (hg19) VCF-style: chr15-65916906-T-TA.
Other names: c.494dup, p.Tyr166fs (NM_001301031.1, NM_001301032.1, NM_001301033.2); c.494dup, p.Tyr166Valfs (NM_001411142.1); short protein forms Y166fs.
Identifiers: ClinVar variation 2133742 (VCV002133742.4), dbSNP rs2548355147, ClinGen allele CA2580089865.